The following is an entry in ClinVar:

NM_017763.6(RNF43):c.1111C>T (p.Arg371Ter)

Gene: RNF43 (ring finger protein 43; minus strand). Cytogenetic location: 17q22.
Variant type: single nucleotide variant.
Coding change: c.1111C>T on transcript NM_017763.6 (MANE Select); coding-DNA position 1111, C replaced by T.
Protein change: p.Arg371Ter; replaces arginine 371 with a stop codon.
Molecular consequence: nonsense.
Genome position (GRCh38, 1-based): chr17:58,358,665, G>A on the plus strand (C>T on the coding strand, the complement: RNF43 is on the minus strand). VCF-style: chr17-58358665-G-A. GRCh37 (hg19) VCF-style: chr17-56436026-G-A.
Other names: c.1111C>T, p.Arg371Ter (NM_001305544.3); c.730C>T, p.Arg244Ter (NM_001305545.2); c.1111C>T (NM_017763.4); short protein forms R244*, R371*.
Identifiers: ClinVar variation 864351 (VCV000864351.47), dbSNP rs771831816, ClinGen allele CA8673232.

ClinVar aggregate classification (germline): Conflicting classifications of pathogenicity. Review status: criteria provided, conflicting classifications (1 of 4 stars). 7 submissions from 7 submitters: Pathogenic (1); Likely pathogenic (2); Uncertain significance (4). Last evaluated 2026-02-04.

Conditions:
Sessile serrated polyposis cancer syndrome (SSPCS). Identifiers: Orphanet 157798, MedGen C4310714, MONDO:0014919, OMIM 617108.

Allele frequency attached by ClinVar (database versions not stated): gnomAD 0.00001; gnomAD exomes 0.00001; TOPMed 0.00001; ExAC 0.00006.

Submissions (7):

Myriad Genetics, Inc.
Classification: Pathogenic for Sessile serrated polyposis cancer syndrome. Last evaluated: 2026-02-04. Review status: criteria provided, single submitter. Criteria: Myriad Autosomal Dominant, Autosomal Recessive and X-Linked Classification Criteria (2023). Collection method: clinical testing. Allele origin: unknown.
Comment: This variant is considered pathogenic. This variant creates a termination codon and is predicted to result in premature protein truncation.

Labcorp Genetics (formerly Invitae), Labcorp
Classification: Uncertain significance. Last evaluated: 2025-08-04. Review status: criteria provided, single submitter. Criteria: Invitae Variant Classification Sherloc (09022015). Collection method: clinical testing. Allele origin: germline.
Comment: This sequence change creates a premature translational stop signal (p.Arg371*) in the RNF43 gene. It is expected to result in an absent or disrupted protein product. However, the current clinical and genetic evidence is not sufficient to establish whether loss-of-function variants in RNF43 cause disease. The frequency data for this variant in the population databases is considered unreliable, as metrics indicate poor data quality at this position in the gnomAD database. This variant has not been reported in the literature in individuals affected with RNF43-related conditions. ClinVar contains an entry for this variant (Variation ID: 864351). In summary, the available evidence is currently insufficient to determine the role of this variant in disease. Therefore, it has been classified as a Variant of Uncertain Significance.

GeneDx
Classification: Likely pathogenic. Last evaluated: 2025-03-25. Review status: criteria provided, single submitter. Criteria: GeneDx Variant Classification Process June 2021. Collection method: clinical testing. Allele origin: germline. Affected: yes.
Comment: Nonsense variant predicted to result in protein truncation or nonsense mediated decay in a gene for which loss of function is a known mechanism of disease; Not observed at significant frequency in large population cohorts (gnomAD); Has not been previously published as pathogenic or benign to our knowledge; This variant is associated with the following publications: (PMID: 35075588, 36454217)

Ambry Genetics
Classification: Uncertain significance. Last evaluated: 2025-02-25. Review status: criteria provided, single submitter. Criteria: Ambry Variant Classification Scheme 2023. Collection method: clinical testing. Allele origin: germline.
Comment: The p.R371* variant (also known as c.1111C>T), located in coding exon 8 of the RNF43 gene, results from a C to T substitution at nucleotide position 1111. This changes the amino acid from an arginine to a stop codon within coding exon 8. This alteration is expected to result in loss of function by premature protein truncation or nonsense-mediated mRNA decay. The evidence for this gene-disease relationship is limited; therefore, the clinical significance of this alteration is unclear.

Fulgent Genetics
Classification: Uncertain significance for Sessile serrated polyposis cancer syndrome. Last evaluated: 2024-02-15. Review status: criteria provided, single submitter. Criteria: ACMG Guidelines, 2015. Collection method: clinical testing. Allele origin: germline.

Baylor Genetics
Classification: Uncertain significance for Sessile serrated polyposis cancer syndrome. Last evaluated: 2023-05-30. Review status: criteria provided, single submitter. Criteria: ACMG Guidelines, 2015. Collection method: clinical testing. Allele origin: unknown.

CeGaT Center for Human Genetics Tuebingen
Classification: Likely pathogenic. Last evaluated: 2021-04-01. Review status: criteria provided, single submitter. Criteria: CeGaT Center For Human Genetics Tuebingen Variant Classification Criteria Version 2. Collection method: clinical testing. Allele origin: germline. Affected: yes. Observed: 1 variant allele.